The following is an entry in ClinVar:

NM_000334.4(SCN4A):c.4522A>G (p.Lys1508Glu)

Genes: GH-LCR (growth hormone locus control region; plus strand), SCN4A (sodium voltage-gated channel alpha subunit 4; minus strand). Cytogenetic location: 17q23.3.
Variant type: single nucleotide variant.
Coding change: c.4522A>G on transcript NM_000334.4 (MANE Select); coding-DNA position 4522, A replaced by G.
Protein change: p.Lys1508Glu; replaces lysine 1508 with glutamic acid.
Molecular consequence: missense variant.
Genome position (GRCh38, 1-based): chr17:63,941,760, T>C on the plus strand (A>G on the coding strand, the complement: SCN4A is on the minus strand). VCF-style: chr17-63941760-T-C. GRCh37 (hg19) VCF-style: chr17-62019120-T-C.
Other names: short protein forms K1508E.
Identifiers: ClinVar variation 1000520 (VCV001000520.9), dbSNP rs1555600752, ClinGen allele CA400615839.
Genomic context (GRCh38, chr17:63,941,760, plus strand): 5'-AGATGATGCTGTTGCCGAAGGTCTCGAAGTTGAACATATCATCGATGCCCGACTCCTTCT[T>C]GACGTAGGCAAAGTTGGACATGCCGAAGATGGAGTAGATGAACATGACCAGGAAGAGGAG-3'
Protein context (NP_000325.4, residues 1498-1518): IFGMSNFAYV[Lys1508Glu]KESGIDDMFN

ClinVar aggregate classification (germline): Uncertain significance (1 of 4 stars; one submission).

Conditions:
Hyperkalemic periodic paralysis. Also called: Familial hyperkalemic periodic paralysis; Gamstorp disease. Identifiers: Orphanet 682, MedGen C0238357, MONDO:0008224, OMIM 170500, HP:0007215.

Submission:

Labcorp Genetics (formerly Invitae), Labcorp
Classification: Uncertain significance for Hyperkalemic periodic paralysis. Last evaluated: 2022-06-20. Review status: criteria provided, single submitter. Criteria: Invitae Variant Classification Sherloc (09022015). Collection method: clinical testing. Allele origin: germline.
Comment: This variant has not been reported in the literature in individuals affected with SCN4A-related conditions. This sequence change replaces lysine, which is basic and polar, with glutamic acid, which is acidic and polar, at codon 1508 of the SCN4A protein (p.Lys1508Glu). This variant is not present in population databases (gnomAD no frequency). ClinVar contains an entry for this variant (Variation ID: 1000520). Algorithms developed to predict the effect of missense changes on protein structure and function (SIFT, PolyPhen-2, Align-GVGD) all suggest that this variant is likely to be disruptive. In summary, the available evidence is currently insufficient to determine the role of this variant in disease. Therefore, it has been classified as a Variant of Uncertain Significance.